The following is an entry in ClinVar:

NM_001942.4(DSG1):c.3073C>G (p.Gln1025Glu)

Genes: DSG1 (desmoglein 1; plus strand), DSG1-AS1 (DSG1 antisense RNA 1; minus strand). Cytogenetic location: 18q12.1.
Variant type: single nucleotide variant.
Coding change: c.3073C>G on transcript NM_001942.4 (MANE Select); coding-DNA position 3073, C replaced by G.
Protein change: p.Gln1025Glu; replaces glutamine 1025 with glutamic acid.
Molecular consequence: missense variant.
Genome position (GRCh38, 1-based): chr18:31,355,269, C>G. VCF-style: chr18-31355269-C-G. GRCh37 (hg19) VCF-style: chr18-28935232-C-G.
Other names: short protein forms Q1025E.
Identifiers: ClinVar variation 2075415 (VCV002075415.4), dbSNP rs1568051360, ClinGen allele CA402125816.

ClinVar aggregate classification (germline): Uncertain significance (1 of 4 stars; one submission).

Submission:

Labcorp Genetics (formerly Invitae), Labcorp
Classification: Uncertain significance. Last evaluated: 2023-01-19. Review status: criteria provided, single submitter. Criteria: Invitae Variant Classification Sherloc (09022015). Collection method: clinical testing. Allele origin: germline.
Comment: In summary, the available evidence is currently insufficient to determine the role of this variant in disease. Therefore, it has been classified as a Variant of Uncertain Significance. Algorithms developed to predict the effect of missense changes on protein structure and function are either unavailable or do not agree on the potential impact of this missense change (SIFT: "Deleterious"; PolyPhen-2: "Benign"; Align-GVGD: "Class C0"). This variant has not been reported in the literature in individuals affected with DSG1-related conditions. This variant is not present in population databases (gnomAD no frequency). This sequence change replaces glutamine, which is neutral and polar, with glutamic acid, which is acidic and polar, at codon 1025 of the DSG1 protein (p.Gln1025Glu).